The following is an entry in ClinVar:

NM_017813.5(BPNT2):c.141C>G (p.Gly47=)

Genes: BPNT2 (3'(2'), 5'-bisphosphate nucleotidase 2; minus strand), LOC130000433 (ATAC-STARR-seq lymphoblastoid silent region 19212; plus strand). Cytogenetic location: 8q12.1.
Variant type: single nucleotide variant.
Coding change: c.141C>G on transcript NM_017813.5 (MANE Select); coding-DNA position 141, C replaced by G.
Protein change: p.Gly47=; no amino-acid change (glycine 47 retained).
Molecular consequence: synonymous variant.
Genome position (GRCh38, 1-based): chr8:56,993,445, G>C on the plus strand (C>G on the coding strand, the complement: BPNT2 is on the minus strand). VCF-style: chr8-56993445-G-C. GRCh37 (hg19) VCF-style: chr8-57906004-G-C.
Identifiers: ClinVar variation 3057876 (VCV003057876.2), dbSNP rs2487133583, ClinGen allele CA461111180.

ClinVar aggregate classification (germline): Likely benign (0 of 4 stars; one submission).

Conditions:
BPNT2-related disorder. Also called: BPNT2-related condition.

gnomAD v4.1: 18 of 1,473,700 alleles (0.0012%); highest among the groups gnomAD compares: Non-Finnish European, 0.0016%; no homozygotes.

Submission:

PreventionGenetics, part of Exact Sciences
Classification: Likely benign for BPNT2-related condition. Last evaluated: 2019-04-24. Review status: no assertion criteria provided. Collection method: clinical testing. Allele origin: germline.
Comment: This variant is classified as likely benign based on ACMG/AMP sequence variant interpretation guidelines (Richards et al. 2015 PMID: 25741868, with internal and published modifications).